The following is an entry in ClinVar:

NM_001621.5(AHR):c.457G>A (p.Val153Ile)

Gene: AHR (aryl hydrocarbon receptor; plus strand). Cytogenetic location: 7p21.1.
Variant type: single nucleotide variant.
Coding change: c.457G>A on transcript NM_001621.5 (MANE Select); coding-DNA position 457, G replaced by A.
Protein change: p.Val153Ile; replaces valine 153 with isoleucine.
Molecular consequence: missense variant.
Genome position (GRCh38, 1-based): chr7:17,329,958, G>A. VCF-style: chr7-17329958-G-A. GRCh37 (hg19) VCF-style: chr7-17369582-G-A.
Other names: short protein forms V153I.
Identifiers: ClinVar variation 1422931 (VCV001422931.6), dbSNP rs2115364004, ClinGen allele CA366891358.

ClinVar aggregate classification (germline): Uncertain significance (1 of 4 stars; one submission).

Allele frequency attached by ClinVar (database versions not stated): gnomAD exomes below 0.00001.

Submission:

Labcorp Genetics (formerly Invitae), Labcorp
Classification: Uncertain significance. Last evaluated: 2023-07-07. Review status: criteria provided, single submitter. Criteria: Invitae Variant Classification Sherloc (09022015). Collection method: clinical testing. Allele origin: germline.
Comment: In summary, the available evidence is currently insufficient to determine the role of this variant in disease. Therefore, it has been classified as a Variant of Uncertain Significance. An algorithm developed to predict the effect of missense changes on protein structure and function (PolyPhen-2) suggests that this variant is likely to be disruptive. ClinVar contains an entry for this variant (Variation ID: 1422931). This variant has not been reported in the literature in individuals affected with AHR-related conditions. This variant is not present in population databases (gnomAD no frequency). This sequence change replaces valine, which is neutral and non-polar, with isoleucine, which is neutral and non-polar, at codon 153 of the AHR protein (p.Val153Ile).